The following is an entry in ClinVar:

ClinVar aggregate classification (germline): Uncertain significance. Review status: criteria provided, multiple submitters, no conflicts (2 of 4 stars). 2 submissions from 2 submitters: Uncertain significance (2). Last evaluated 2024-12-09.

Conditions:
Bethlem myopathy 1A. Also called: Bethlem myopathy 1; Bethlem Muscular Dystrophy; MYOPATHY, BENIGN CONGENITAL, WITH CONTRACTURES. Identifiers: Orphanet 610, MedGen CN029274, MONDO:0024530, OMIM 158810.

Submissions (2):

GeneDx
Classification: Uncertain significance. Last evaluated: 2024-12-09. Review status: criteria provided, single submitter. Criteria: GeneDx Variant Classification Process June 2021. Collection method: clinical testing. Allele origin: germline.
Comment: Not observed at significant frequency in large population cohorts (gnomAD); In silico analysis supports that this missense variant has a deleterious effect on protein structure/function; Has not been previously published as pathogenic or benign to our knowledge

Labcorp Genetics (formerly Invitae), Labcorp
Classification: Uncertain significance for Bethlem myopathy 1A. Last evaluated: 2022-10-26. Review status: criteria provided, single submitter. Criteria: Invitae Variant Classification Sherloc (09022015). Collection method: clinical testing. Allele origin: germline.
Comment: This sequence change replaces proline, which is neutral and non-polar, with glutamine, which is neutral and polar, at codon 588 of the COL6A1 protein (p.Pro588Gln). This variant is not present in population databases (gnomAD no frequency). This variant has not been reported in the literature in individuals affected with COL6A1-related conditions. Advanced modeling of protein sequence and biophysical properties (such as structural, functional, and spatial information, amino acid conservation, physicochemical variation, residue mobility, and thermodynamic stability) performed at Invitae indicates that this missense variant is not expected to disrupt COL6A1 protein function. In summary, the available evidence is currently insufficient to determine the role of this variant in disease. Therefore, it has been classified as a Variant of Uncertain Significance.

NM_001848.3(COL6A1):c.1763C>A (p.Pro588Gln)

Gene: COL6A1 (collagen type VI alpha 1 chain; plus strand). Cytogenetic location: 21q22.3.
Variant type: single nucleotide variant.
Coding change: c.1763C>A on transcript NM_001848.3 (MANE Select); coding-DNA position 1763, C replaced by A.
Protein change: p.Pro588Gln; replaces proline 588 with glutamine.
Molecular consequence: missense variant.
Genome position (GRCh38, 1-based): chr21:45,999,679, C>A. VCF-style: chr21-45999679-C-A. GRCh37 (hg19) VCF-style: chr21-47419593-C-A.
Other names: short protein forms P588Q.
Identifiers: ClinVar variation 1714062 (VCV001714062.8), dbSNP rs759442615, ClinGen allele CA410530992.